The following is an entry in ClinVar:

NM_000399.5(EGR2):c.847C>T (p.Pro283Ser)

Gene: EGR2 (early growth response 2; minus strand). Cytogenetic location: 10q21.3.
Variant type: single nucleotide variant.
Coding change: c.847C>T on transcript NM_000399.5 (MANE Select); coding-DNA position 847, C replaced by T.
Protein change: p.Pro283Ser; replaces proline 283 with serine.
Molecular consequence: missense variant.
Genome position (GRCh38, 1-based): chr10:62,813,791, G>A on the plus strand (C>T on the coding strand, the complement: EGR2 is on the minus strand). VCF-style: chr10-62813791-G-A. GRCh37 (hg19) VCF-style: chr10-64573551-G-A.
Other names: c.847C>T, p.Pro283Ser (NM_001136177.3, NM_001136178.2); c.697C>T, p.Pro233Ser (NM_001136179.3, NM_001321037.2); c.886C>T, p.Pro296Ser (NM_001410931.1); short protein forms P233S, P283S, P296S.
Identifiers: ClinVar variation 1763531 (VCV001763531.4), dbSNP rs1249572398, ClinGen allele CA377028608.

ClinVar aggregate classification (germline): Uncertain significance. Review status: criteria provided, multiple submitters, no conflicts (2 of 4 stars). 2 submissions from 2 submitters: Uncertain significance (2). Last evaluated 2024-09-21.

Conditions:
Inborn genetic diseases. Identifiers: MedGen C0950123, MeSH D030342.

Allele frequency attached by ClinVar (database versions not stated): gnomAD 0.00001.
gnomAD v4.1: 1 of 1,613,300 alleles (0.000062%); highest among the groups gnomAD compares: South Asian, 0.0011%; no homozygotes.

Submissions (2):

GeneDx
Classification: Uncertain significance. Last evaluated: 2024-09-21. Review status: criteria provided, single submitter. Criteria: GeneDx Variant Classification Process June 2021. Collection method: clinical testing. Allele origin: germline.
Comment: Not observed at significant frequency in large population cohorts (gnomAD); In silico analysis indicates that this missense variant does not alter protein structure/function; Has not been previously published as pathogenic or benign to our knowledge

Ambry Genetics
Classification: Uncertain significance for Inborn genetic diseases. Last evaluated: 2021-04-13. Review status: criteria provided, single submitter. Criteria: Ambry Variant Classification Scheme 2023. Collection method: clinical testing. Allele origin: germline.
Comment: The p.P283S variant (also known as c.847C>T), located in coding exon 2 of the EGR2 gene, results from a C to T substitution at nucleotide position 847. The proline at codon 283 is replaced by serine, an amino acid with similar properties. This amino acid position is well conserved in available vertebrate species. In addition, this alteration is predicted to be tolerated by in silico analysis. Since supporting evidence is limited at this time, the clinical significance of this alteration remains unclear.